The following is an entry in ClinVar:

NM_001164508.2(NEB):c.6732_6736del (p.Lys2245fs)

Gene: NEB (nebulin; minus strand). Cytogenetic location: 2q23.3.
Variant type: Deletion.
Coding change: c.6732_6736del on transcript NM_001164508.2 (MANE Select); coding-DNA positions 6732 to 6736, 5 bases deleted (TAAGA; older notation c.6732_6736delTAAGA).
Protein change: p.Lys2245fs; shifts the reading frame from lysine 2245.
Molecular consequence: frameshift variant.
Genome position (GRCh38, 1-based): chr2:151,655,341-151,655,345, TCTTA deleted on the plus strand (TAAGA on the coding strand, the reverse complement: NEB is on the minus strand); deleting any 5 consecutive bases within chr2:151,655,341-151,655,349 gives the same sequence; the c. name uses the placement nearest the transcript's 3' end. VCF-style (leftmost placement, unchanged base first): chr2-151655340-GTCTTA-G. GRCh37 (hg19) VCF-style: chr2-152511854-GTCTTA-G.
Other names: c.6732_6736del, p.Lys2245fs (NM_001164507.2, NM_001271208.2, NM_004543.5); short protein forms K2245fs.
Identifiers: ClinVar variation 1725237 (VCV001725237.2), dbSNP rs2552252217, ClinGen allele CA2580064202.
Genomic context (GRCh38, chr2:151,655,340, plus strand): 5'-AGTGTTTGATTCTGCTTGGCTTGTAAAATATCTGGTGTATCAGGCATCACATGAATCTTG[GTCTTA>G]TCTTTATTCCAATCAATGGTGTATAAATGCTAGGAAGTGGGAAAAAAAGACATGAAATTT-3'

ClinVar aggregate classification (germline): Likely pathogenic (1 of 4 stars; one submission).

Conditions:
Nemaline myopathy 2 (NEM2). Also called: Nemaline myopathy 2, autosomal recessive. Identifiers: MedGen C1850569, MONDO:0009725, OMIM 256030.

Submission:

Myriad Genetics, Inc.
Classification: Likely pathogenic for Nemaline myopathy 2. Last evaluated: 2021-12-02. Review status: criteria provided, single submitter. Criteria: Myriad Women's Health Autosomal Recessive and X-Linked Classification Criteria (2021). Collection method: clinical testing. Allele origin: unknown.
Comment: NM_001271208.1(NEB):c.6732_6736del5(K2245Qfs*7) is expected to be pathogenic in the context of NEB-related nemaline myopathy. This variant is predicted to lead to an abnormal or absent protein product due to the creation of a premature termination codon in NEB, a gene where loss-of-function variants are known to be pathogenic. Please note: this variant was assessed in the context of healthy population screening.